The following is an entry in ClinVar:

NM_001382567.1(STIM1):c.1931C>A (p.Ser644Tyr)

Genes: STIM1 (stromal interaction molecule 1; plus strand), LOC124418421 (Sharpr-MPRA regulatory region 9588; plus strand). Cytogenetic location: 11p15.4.
Variant type: single nucleotide variant.
Coding change: c.1931C>A on transcript NM_001382567.1 (MANE Select); coding-DNA position 1931, C replaced by A.
Protein change: p.Ser644Tyr; replaces serine 644 with tyrosine.
Molecular consequence: missense variant. On other transcripts: 3 prime UTR variant (4), non-coding transcript variant (3).
Genome position (GRCh38, 1-based): chr11:4,091,578, C>A. VCF-style: chr11-4091578-C-A. GRCh37 (hg19) VCF-style: chr11-4112808-C-A.
Other names: p.Ser613Tyr; c.2156C>A, p.Ser719Tyr (NM_001277961.3); c.*252C>A (NM_001277962.2, NM_001382578.1, NM_001382579.1 and 1 more transcripts); c.1934C>A, p.Ser645Tyr (NM_001382566.1); c.1859C>A, p.Ser620Tyr (NM_001382568.1); c.1703C>A, p.Ser568Tyr (NM_001382569.1); c.1610C>A, p.Ser537Tyr (NM_001382570.1); c.1358C>A, p.Ser453Tyr (NM_001382571.1); and 3 more; short protein forms S613Y, S719Y, S450Y, S453Y, S537Y, S539Y, S568Y, S620Y.
Identifiers: ClinVar variation 461726 (VCV000461726.28), dbSNP rs35637264, ClinGen allele CA5830638.

ClinVar aggregate classification (germline): Benign/Likely benign. Review status: criteria provided, multiple submitters, no conflicts (2 of 4 stars). 5 submissions from 5 submitters: Benign (3); Likely benign (2). Last evaluated 2026-02-01.

Conditions:
Stormorken syndrome (STRMK). Also called: THROMBOCYTOPATHY, ASPLENIA, AND MIOSIS. Identifiers: Orphanet 3204, MedGen C1861451, MONDO:0008497, OMIM 185070.
Myopathy with tubular aggregates (TAM). Also called: Tubular Aggregate Myopathy. Identifiers: Orphanet 2593, MedGen C0410207, MONDO:0008051.
Combined immunodeficiency due to STIM1 deficiency. Also called: STIM1 DEFICIENCY; IMMUNODEFICIENCY 10. Identifiers: Orphanet 169090, Orphanet 317430, MedGen C2748557, MONDO:0013008, OMIM 612783.

Allele frequency attached by ClinVar (database versions not stated): gnomAD exomes 0.00069; ExAC 0.00078; ESP Exome Variant Server 0.00300; gnomAD 0.00301 and 0.00323; 1000 Genomes Project 0.00339; TOPMed 0.00340; 1000 Genomes Project 30x 0.00359.
gnomAD v4.1: 889 of 1,614,204 alleles (0.055%); highest among the groups gnomAD compares: African/African-American, 1.1%; 3 homozygotes.

Submissions (5):

Labcorp Genetics (formerly Invitae), Labcorp
Classification: Benign for Myopathy with tubular aggregates; Combined immunodeficiency due to STIM1 deficiency; Stormorken syndrome. Last evaluated: 2026-02-01. Review status: criteria provided, single submitter. Criteria: Invitae Variant Classification Sherloc (09022015). Collection method: clinical testing. Allele origin: germline.

CeGaT Center for Human Genetics Tuebingen
Classification: Likely benign. Last evaluated: 2025-11-01. Review status: criteria provided, single submitter. Criteria: CeGaT Center For Human Genetics Tuebingen Variant Classification Criteria Version 2. Collection method: clinical testing. Allele origin: germline. Affected: yes. Observed: 2 variant alleles.
Comment: STIM1: BS1

Mayo Clinic Laboratories, Mayo Clinic
Classification: Benign. Last evaluated: 2025-09-04. Review status: criteria provided, single submitter. Criteria: ACMG Guidelines, 2015. Collection method: clinical testing. Allele origin: germline. Observed: 8 variant alleles.
Comment: BS1, BS2

Blueprint Genetics
Classification: Likely benign. Last evaluated: 2024-10-23. Review status: criteria provided, single submitter. Criteria: ACMG Guidelines, 2015. Collection method: clinical testing. Allele origin: germline.

Breakthrough Genomics
Classification: Benign. Review status: criteria provided, single submitter. Criteria: ACMG Guidelines, 2015. Collection method: not provided. Allele origin: germline. Inheritance: Autosomal recessive inheritance. Affected: yes.